The following is an entry in ClinVar:

ClinVar aggregate classification (germline): Benign. Review status: criteria provided, multiple submitters, no conflicts (2 of 4 stars). 6 submissions from 6 submitters: Benign (5). 1 of the submissions does not count toward it. Last evaluated 2026-02-02.

Conditions:
Joubert syndrome 17 (JBTS17). Identifiers: Orphanet 475, MedGen C3553264, MONDO:0013824, OMIM 614615.

Allele frequency attached by ClinVar (database versions not stated): gnomAD exomes 0.00651; ExAC 0.01271; gnomAD 0.02866; 1000 Genomes Project 0.03035; ESP Exome Variant Server 0.03180; 1000 Genomes Project 30x 0.03326; TOPMed 0.03347.

Submissions (6):

Labcorp Genetics (formerly Invitae), Labcorp
Classification: Benign. Last evaluated: 2026-02-02. Review status: criteria provided, single submitter. Criteria: Invitae Variant Classification Sherloc (09022015). Collection method: clinical testing. Allele origin: germline.

Illumina Laboratory Services, Illumina
Classification: Benign for Joubert syndrome 17. Last evaluated: 2018-01-13. Review status: criteria provided, single submitter. Criteria: ICSL Variant Classification Criteria 13 December 2019. Collection method: clinical testing. Allele origin: germline.
Comment: This variant was observed in the ICSL laboratory as part of a predisposition screen in an ostensibly healthy population. It had not been previously curated by ICSL or reported in the Human Gene Mutation Database (HGMD: prior to June 1st, 2018), and was therefore a candidate for classification through an automated scoring system. Utilizing variant allele frequency, disease prevalence and penetrance estimates, and inheritance mode, an automated score was calculated to assess if this variant is too frequent to cause the disease. Based on the score and internal cut-off values, a variant classified as benign is not then subjected to further curation. The score for this variant resulted in a classification of benign for this disease.

GeneDx
Classification: Benign. Last evaluated: 2016-10-19. Review status: criteria provided, single submitter. Criteria: GeneDx Variant Classification (06012015). Collection method: clinical testing. Allele origin: germline. Affected: yes.
Comment: This variant is considered likely benign or benign based on one or more of the following criteria: it is a conservative change, it occurs at a poorly conserved position in the protein, it is predicted to be benign by multiple in silico algorithms, and/or has population frequency not consistent with disease.

Breakthrough Genomics
Classification: Benign. Review status: criteria provided, single submitter. Criteria: ACMG Guidelines, 2015. Collection method: not provided. Allele origin: germline. Inheritance: Autosomal recessive inheritance. Affected: yes.

PreventionGenetics, part of Exact Sciences
Classification: Benign. Review status: criteria provided, single submitter. Criteria: ACMG Guidelines, 2015. Collection method: clinical testing. Allele origin: germline.

Genetic Services Laboratory, University of Chicago
Classification: Likely benign. Review status: no assertion criteria provided. Collection method: clinical testing. Allele origin: germline. Inheritance: Autosomal recessive inheritance. Not counted in ClinVar's aggregate classification.
Comment: Likely benign based on allele frequency in 1000 Genomes Project or ESP global frequency and its presence in a patient with a rare or unrelated disease phenotype. NOT Sanger confirmed

NM_001384732.1(CPLANE1):c.94G>A (p.Val32Ile)

Gene: CPLANE1 (ciliogenesis and planar polarity effector complex subunit 1; minus strand). Cytogenetic location: 5p13.2.
Variant type: single nucleotide variant.
Coding change: c.94G>A on transcript NM_001384732.1 (MANE Select); coding-DNA position 94, G replaced by A.
Protein change: p.Val32Ile; replaces valine 32 with isoleucine.
Molecular consequence: missense variant.
Genome position (GRCh38, 1-based): chr5:37,245,833, C>T on the plus strand (G>A on the coding strand, the complement: CPLANE1 is on the minus strand). VCF-style: chr5-37245833-C-T. GRCh37 (hg19) VCF-style: chr5-37245935-C-T.
Other names: c.94G>A, p.Val32Ile (NM_023073.4); short protein forms V32I.
Identifiers: ClinVar variation 158062 (VCV000158062.20), dbSNP rs73750959, ClinGen allele CA171475.
Genomic context (GRCh38, chr5:37,245,833, plus strand): 5'-TCTTTATCTTTCCTGATAGCAAATTAATTTCATTTATGAATTTATCATCCAAAAGAAAAA[C>T]GGCTTCTTTTTCCTAAGAGAAGAAACATGTGAAGGACTCAAGAGGTGCCAGAAATTAATT-3'
Protein context (NP_001371661.1, residues 22-42): VSWLGKEKEA[Val32Ile]FLLDDKFINE